The following is an entry in ClinVar:

NM_000038.6(APC):c.5044G>A (p.Gly1682Ser)

Gene: APC (APC regulator of Wnt signaling pathway; plus strand). Cytogenetic location: 5q22.2.
Variant type: single nucleotide variant.
Coding change: c.5044G>A on transcript NM_000038.6 (MANE Select); coding-DNA position 5044, G replaced by A.
Protein change: p.Gly1682Ser; replaces glycine 1682 with serine.
Molecular consequence: missense variant.
Genome position (GRCh38, 1-based): chr5:112,840,638, G>A. VCF-style: chr5-112840638-G-A. GRCh37 (hg19) VCF-style: chr5-112176335-G-A.
Other names: c.5128G>A, p.Gly1710Ser (NM_001407446.1); c.5098G>A, p.Gly1700Ser (NM_001407447.1, NM_001407448.1, NM_001407449.1 and 1 more transcripts); c.5044G>A, p.Gly1682Ser (NM_001407450.1, NM_001127510.3, NM_001354895.2); c.5023G>A, p.Gly1675Ser (NM_001407451.1); c.5014G>A, p.Gly1672Ser (NM_001407452.1); c.4867G>A, p.Gly1623Ser (NM_001407453.1, NM_001354901.2); c.4795G>A, p.Gly1599Ser (NM_001407454.1, NM_001407455.1, NM_001407456.1 and 1 more transcripts); c.4741G>A, p.Gly1581Ser (NM_001407458.1, NM_001407459.1, NM_001407460.1 and 1 more transcripts); and 11 more; short protein forms G1298S, G1553S, G1654S, G1675S, G1700S, G1710S, G1581S, G1623S.
Identifiers: ClinVar variation 1744970 (VCV001744970.8), dbSNP rs2149930599, ClinGen allele CA16032360.

ClinVar aggregate classification (germline): Uncertain significance. Review status: criteria provided, multiple submitters, no conflicts (2 of 4 stars). 2 submissions from 2 submitters: Uncertain significance (2). Last evaluated 2025-05-27.

Conditions:
Hereditary cancer-predisposing syndrome. Also called: Hereditary Cancer Syndrome; Neoplastic Syndromes, Hereditary; Tumor predisposition; Hereditary neoplastic syndrome. Identifiers: Orphanet 140162, MedGen C0027672, MeSH D009386, MONDO:0015356.
Familial adenomatous polyposis 1 (FAP1). Also called: FAMILIAL ADENOMATOUS POLYPOSIS 1, ATTENUATED; POLYPOSIS, ADENOMATOUS INTESTINAL. Identifiers: MedGen C2713442, MONDO:0021056, OMIM 175100. Disease mechanism: loss of function.

Allele frequency attached by ClinVar (database versions not stated): gnomAD exomes below 0.00001.
gnomAD v4.1: 1 of 1,613,994 alleles (0.000062%); highest among the groups gnomAD compares: African/African-American, 0.0013%; no homozygotes.

Submissions (2):

Labcorp Genetics (formerly Invitae), Labcorp
Classification: Uncertain significance for Familial adenomatous polyposis 1. Last evaluated: 2025-05-27. Review status: criteria provided, single submitter. Criteria: Invitae Variant Classification Sherloc (09022015). Collection method: clinical testing. Allele origin: germline.
Comment: This sequence change replaces glycine, which is neutral and non-polar, with serine, which is neutral and polar, at codon 1682 of the APC protein (p.Gly1682Ser). This variant is not present in population databases (gnomAD no frequency). This variant has not been reported in the literature in individuals affected with APC-related conditions. ClinVar contains an entry for this variant (Variation ID: 1744970). Invitae Evidence Modeling of protein sequence and biophysical properties (such as structural, functional, and spatial information, amino acid conservation, physicochemical variation, residue mobility, and thermodynamic stability) indicates that this missense variant is not expected to disrupt APC protein function with a negative predictive value of 95%. In summary, the available evidence is currently insufficient to determine the role of this variant in disease. Therefore, it has been classified as a Variant of Uncertain Significance.

Ambry Genetics
Classification: Uncertain significance for Hereditary cancer-predisposing syndrome. Last evaluated: 2024-12-16. Review status: criteria provided, single submitter. Criteria: Ambry Variant Classification Scheme 2023. Collection method: clinical testing. Allele origin: germline.
Comment: The p.G1682S variant (also known as c.5044G>A), located in coding exon 15 of the APC gene, results from a G to A substitution at nucleotide position 5044. The glycine at codon 1682 is replaced by serine, an amino acid with similar properties. This amino acid position is conserved. Missense alterations in APC are not a common cause of disease (Spier I et al. Genet Med. 2024 Feb;26(2):100992). In addition, in silico predictors for this gene do not accurately predict pathogenicity. Since supporting evidence is limited at this time, the clinical significance of this alteration remains unclear.